The following is an entry in ClinVar:

NM_001271.4(CHD2):c.4246G>A (p.Glu1416Lys)

Gene: CHD2 (chromodomain helicase DNA binding protein 2; plus strand). Cytogenetic location: 15q26.1.
Variant type: single nucleotide variant.
Coding change: c.4246G>A on transcript NM_001271.4 (MANE Select); coding-DNA position 4246, G replaced by A.
Protein change: p.Glu1416Lys; replaces glutamic acid 1416 with lysine.
Molecular consequence: missense variant.
Genome position (GRCh38, 1-based): chr15:93,002,285, G>A. VCF-style: chr15-93002285-G-A. GRCh37 (hg19) VCF-style: chr15-93545515-G-A.
Other names: short protein forms E1416K.
Identifiers: ClinVar variation 3361011 (VCV003361011.1).

ClinVar aggregate classification (germline): Uncertain significance (1 of 4 stars; one submission).

Submission:

GeneDx
Classification: Uncertain significance. Last evaluated: 2023-07-13. Review status: criteria provided, single submitter. Criteria: GeneDx Variant Classification Process June 2021. Collection method: clinical testing. Allele origin: germline. Affected: yes.
Comment: Not observed at significant frequency in large population cohorts (gnomAD); In silico analysis supports that this missense variant does not alter protein structure/function; Has not been previously published as pathogenic or benign to our knowledge